The following is an entry in ClinVar:

NM_004991.4(MECOM):c.1154A>G (p.Tyr385Cys)

Gene: MECOM (MDS1 and EVI1 complex locus; minus strand). Cytogenetic location: 3q26.2.
Variant type: single nucleotide variant.
Coding change: c.1154A>G on transcript NM_004991.4 (MANE Select); coding-DNA position 1154, A replaced by G.
Protein change: p.Tyr385Cys; replaces tyrosine 385 with cysteine.
Molecular consequence: missense variant. On other transcripts: intron variant (2).
Genome position (GRCh38, 1-based): chr3:169,116,718, T>C on the plus strand (A>G on the coding strand, the complement: MECOM is on the minus strand). VCF-style: chr3-169116718-T-C. GRCh37 (hg19) VCF-style: chr3-168834506-T-C.
Other names: c.593A>G, p.Tyr198Cys (NM_001366470.2, NM_001163999.2, NM_001366467.2 and 1 more transcripts); c.590A>G, p.Tyr197Cys (NM_001366471.2, NM_001366472.2, NM_005241.4 and 4 more transcripts); c.1133-951A>G (NM_001366473.2); c.569-951A>G (NM_001366474.2); c.785A>G, p.Tyr262Cys (NM_001105077.4); c.1154A>G, p.Tyr385Cys (NM_001366466.2); short protein forms Y197C, Y198C, Y262C, Y385C.
Identifiers: ClinVar variation 3900738 (VCV003900738.1).

ClinVar aggregate classification (germline): Likely pathogenic (1 of 4 stars; one submission).

Conditions:
MECOM-associated syndrome. Identifiers: MedGen CN305607, MONDO:0100458.

Submission:

Wendy Chung Laboratory, Boston Children's Hospital
Classification: Likely pathogenic for MECOM-associated syndrome. Last evaluated: 2025-04-30. Review status: criteria provided, single submitter. Criteria: ACMG Guidelines, 2015. Collection method: research. Allele origin: de novo. Affected: yes. Observed: 1 variant allele.
Comment: NM_0004991.4:c.1154A>G; p.(Tyr385Cys) is a DNA single alanine to guanine base substitution missense variant. The variant is absent from gnomAD v.4.1 (PM2_supporting). The variant occurred de novo (PS2) and is located in a conserved zinc finger domain (PMID: 19767769) (PM1). MECOM has a low rate of benign missense variation and missense variants are a common mechanism of MECOM-associated syndrome (PP2). Multiple lines of compuational evidence supprt a deleterious effect (AlphaMissense = 0.999, CADD = 34) (PP3).

Literature cited by the submitters: PubMed 19767769.